The following is an entry in ClinVar:

NM_001113491.2(SEPTIN9):c.1671C>T (p.Phe557=)

Gene: SEPTIN9 (septin 9; plus strand). Cytogenetic location: 17q25.3.
Variant type: single nucleotide variant.
Coding change: c.1671C>T on transcript NM_001113491.2 (MANE Select); coding-DNA position 1671, C replaced by T.
Protein change: p.Phe557=; no amino-acid change (phenylalanine 557 retained).
Molecular consequence: synonymous variant.
Genome position (GRCh38, 1-based): chr17:77,498,568, C>T. VCF-style: chr17-77498568-C-T. GRCh37 (hg19) VCF-style: chr17-75494650-C-T.
Other names: c.1179C>T, p.Phe393= (NM_001113492.2, NM_001113494.1); c.1650C>T, p.Phe550= (NM_001113493.2); c.918C>T, p.Phe306= (NM_001113495.2, NM_001113496.2, NM_001293697.2 and 1 more transcripts); c.1614C>T, p.Phe538= (NM_001293695.2); c.999C>T, p.Phe333= (NM_001293696.2); c.1617C>T, p.Phe539= (NM_006640.5).
Identifiers: ClinVar variation 4980987 (VCV004980987.1).

ClinVar aggregate classification (germline): Likely benign (1 of 4 stars; one submission).

Conditions:
SEPTIN9-related disorder. Also called: SEPTIN9-related condition.

gnomAD v4.1: 4 of 1,589,284 alleles (0.00025%); highest among the groups gnomAD compares: East Asian, 0.0023%; no homozygotes.

Submission:

PreventionGenetics, part of Exact Sciences
Classification: Likely benign for SEPTIN9-related condition. Last evaluated: 2025-11-19. Review status: criteria provided, single submitter. Criteria: ACMG Guidelines, 2015. Collection method: clinical testing. Allele origin: germline.
Comment: This variant is classified as likely benign based on ACMG/AMP sequence variant interpretation guidelines (Richards et al. 2015 PMID: 25741868, with internal and published modifications).